The following is an entry in ClinVar:

NM_004385.5(VCAN):c.385C>T (p.Arg129Cys)

Gene: VCAN (versican; plus strand). Cytogenetic location: 5q14.2.
Variant type: single nucleotide variant.
Coding change: c.385C>T on transcript NM_004385.5 (MANE Select); coding-DNA position 385, C replaced by T.
Protein change: p.Arg129Cys; replaces arginine 129 with cysteine.
Molecular consequence: missense variant.
Genome position (GRCh38, 1-based): chr5:83,490,412, C>T. VCF-style: chr5-83490412-C-T. GRCh37 (hg19) VCF-style: chr5-82786231-C-T.
Other names: c.385C>T, p.Arg129Cys (NM_001126336.3, NM_001164097.2, NM_001164098.2); short protein forms R129C.
Identifiers: ClinVar variation 855886 (VCV000855886.9), dbSNP rs142999995, ClinGen allele CA3332437.

ClinVar aggregate classification (germline): Conflicting classifications of pathogenicity. Review status: criteria provided, conflicting classifications (1 of 4 stars). 3 submissions from 3 submitters: Uncertain significance (2); Likely benign (1). Last evaluated 2026-01-21.

Conditions:
Inborn genetic diseases. Identifiers: MedGen C0950123, MeSH D030342.

Allele frequency attached by ClinVar (database versions not stated): gnomAD 0.00001 and 0.00002; TOPMed 0.00002; gnomAD exomes 0.00004 and 0.00006; ExAC 0.00005; ESP Exome Variant Server 0.00008.
gnomAD v4.1: 68 of 1,614,014 alleles (0.0042%); highest among the groups gnomAD compares: South Asian, 0.032%; no homozygotes.

Submissions (3):

Labcorp Genetics (formerly Invitae), Labcorp
Classification: Uncertain significance. Last evaluated: 2026-01-21. Review status: criteria provided, single submitter. Criteria: Invitae Variant Classification Sherloc (09022015). Collection method: clinical testing. Allele origin: germline.
Comment: This sequence change replaces arginine, which is basic and polar, with cysteine, which is neutral and slightly polar, at codon 129 of the VCAN protein (p.Arg129Cys). This variant is present in population databases (rs142999995, gnomAD 0.04%), and has an allele count higher than expected for a pathogenic variant. This variant has not been reported in the literature in individuals affected with VCAN-related conditions. ClinVar contains an entry for this variant (Variation ID: 855886). An algorithm developed to predict the effect of missense changes on protein structure and function (PolyPhen-2) suggests that this variant is likely to be disruptive. In summary, the available evidence is currently insufficient to determine the role of this variant in disease. Therefore, it has been classified as a Variant of Uncertain Significance.

Blueprint Genetics
Classification: Likely benign. Last evaluated: 2024-06-25. Review status: criteria provided, single submitter. Criteria: ACMG Guidelines, 2015. Collection method: clinical testing. Allele origin: germline.

Ambry Genetics
Classification: Uncertain significance for Inborn genetic diseases. Last evaluated: 2023-09-26. Review status: criteria provided, single submitter. Criteria: Ambry Variant Classification Scheme 2023. Collection method: clinical testing. Allele origin: germline.